The following is an entry in ClinVar:

NM_004467.4(FGL1):c.399T>C (p.Phe133=)

Gene: FGL1 (fibrinogen like 1; minus strand). Cytogenetic location: 8p22.
Variant type: single nucleotide variant.
Coding change: c.399T>C on transcript NM_004467.4 (MANE Select); coding-DNA position 399, T replaced by C.
Protein change: p.Phe133=; no amino-acid change (phenylalanine 133 retained).
Molecular consequence: synonymous variant.
Genome position (GRCh38, 1-based): chr8:17,874,367, A>G on the plus strand (T>C on the coding strand, the complement: FGL1 is on the minus strand). VCF-style: chr8-17874367-A-G. GRCh37 (hg19) VCF-style: chr8-17731876-A-G.
Other names: c.399T>C, p.Phe133= (NM_147203.2, NM_201552.1, NM_201553.1).
Identifiers: ClinVar variation 784639 (VCV000784639.28), dbSNP rs34871936, ClinGen allele CA4647872.

ClinVar aggregate classification (germline): Benign. Review status: criteria provided, multiple submitters, no conflicts (2 of 4 stars). 3 submissions from 3 submitters: Benign (3). Last evaluated 2023-07-01.

Allele frequency attached by ClinVar (database versions not stated): 1000 Genomes Project 30x 0.00437; 1000 Genomes Project 0.00499; gnomAD 0.00869; ExAC 0.00917; TOPMed 0.00960; ESP Exome Variant Server 0.01000.
gnomAD v4.1: 20,643 of 1,612,274 alleles (1.3%); highest among the groups gnomAD compares: Non-Finnish European, 1.5%; 179 homozygotes.

Submissions (3):

CeGaT Center for Human Genetics Tuebingen
Classification: Benign. Last evaluated: 2023-07-01. Review status: criteria provided, single submitter. Criteria: CeGaT Center For Human Genetics Tuebingen Variant Classification Criteria Version 2. Collection method: clinical testing. Allele origin: germline. Affected: yes. Observed: 1 variant allele.
Comment: FGL1: BP4, BP7, BS1, BS2

Labcorp Genetics (formerly Invitae), Labcorp
Classification: Benign. Last evaluated: 2018-02-25. Review status: criteria provided, single submitter. Criteria: Invitae Variant Classification Sherloc (09022015). Collection method: clinical testing. Allele origin: germline.

Breakthrough Genomics
Classification: Benign. Review status: criteria provided, single submitter. Criteria: ACMG Guidelines, 2015. Collection method: not provided. Allele origin: germline. Inheritance: Unknown mechanism. Affected: yes.